The following is an entry in ClinVar:

ClinVar aggregate classification (germline): Uncertain significance (1 of 4 stars; one submission).

Allele frequency attached by ClinVar (database versions not stated): TOPMed 0.00001.
gnomAD v4.1: 4 of 1,453,340 alleles (0.00028%); highest among the groups gnomAD compares: East Asian, 0.01%; no homozygotes.

Submission:

Labcorp Genetics (formerly Invitae), Labcorp
Classification: Uncertain significance. Last evaluated: 2022-03-20. Review status: criteria provided, single submitter. Criteria: Invitae Variant Classification Sherloc (09022015). Collection method: clinical testing. Allele origin: germline.
Comment: This sequence change replaces alanine, which is neutral and non-polar, with glutamic acid, which is acidic and polar, at codon 983 of the ADAMTS10 protein (p.Ala983Glu). The frequency data for this variant in the population databases is considered unreliable, as metrics indicate poor data quality at this position in the gnomAD database. This variant has not been reported in the literature in individuals affected with ADAMTS10-related conditions. Algorithms developed to predict the effect of missense changes on protein structure and function (SIFT, PolyPhen-2, Align-GVGD) all suggest that this variant is likely to be tolerated. In summary, the available evidence is currently insufficient to determine the role of this variant in disease. Therefore, it has been classified as a Variant of Uncertain Significance.

NM_030957.4(ADAMTS10):c.2948C>A (p.Ala983Glu)

Gene: ADAMTS10 (ADAM metallopeptidase with thrombospondin type 1 motif 10; minus strand). Cytogenetic location: 19p13.2.
Variant type: single nucleotide variant.
Coding change: c.2948C>A on transcript NM_030957.4 (MANE Select); coding-DNA position 2948, C replaced by A.
Protein change: p.Ala983Glu; replaces alanine 983 with glutamic acid.
Molecular consequence: missense variant.
Genome position (GRCh38, 1-based): chr19:8,585,226, G>T on the plus strand (C>A on the coding strand, the complement: ADAMTS10 is on the minus strand). VCF-style: chr19-8585226-G-T. GRCh37 (hg19) VCF-style: chr19-8650110-G-T.
Other names: c.1409C>A, p.Ala470Glu (NM_001282352.2); short protein forms A470E, A983E.
Identifiers: ClinVar variation 1933651 (VCV001933651.2), dbSNP rs1555736606, ClinGen allele CA403748624.